The following is an entry in ClinVar:

NM_001844.5(COL2A1):c.1942-2A>G

Gene: COL2A1 (collagen type II alpha 1 chain; minus strand). Cytogenetic location: 12q13.11.
Variant type: single nucleotide variant.
Coding change: c.1942-2A>G on transcript NM_001844.5 (MANE Select); the canonical splice acceptor site of the intron before coding-DNA position 1942, A replaced by G.
Molecular consequence: splice acceptor variant.
Genome position (GRCh38, 1-based): chr12:47,983,738, T>C on the plus strand (A>G on the coding strand, the complement: COL2A1 is on the minus strand). VCF-style: chr12-47983738-T-C. GRCh37 (hg19) VCF-style: chr12-48377521-T-C.
Other names: c.1735-2A>G (NM_033150.3).
Identifiers: ClinVar variation 1487483 (VCV001487483.8), dbSNP rs2136556938, ClinGen allele CA384548647.

ClinVar aggregate classification (germline): Likely pathogenic (1 of 4 stars; one submission).

Submission:

Labcorp Genetics (formerly Invitae), Labcorp
Classification: Likely pathogenic. Last evaluated: 2024-03-24. Review status: criteria provided, single submitter. Criteria: Invitae Variant Classification Sherloc (09022015). Collection method: clinical testing. Allele origin: germline.
Comment: This sequence change affects an acceptor splice site in intron 29 of the COL2A1 gene. It is expected to disrupt RNA splicing. Variants that disrupt the donor or acceptor splice site typically lead to a loss of protein function (PMID: 16199547), and loss-of-function variants in COL2A1 are known to be pathogenic (PMID: 20179744). This variant is not present in population databases (gnomAD no frequency). Disruption of this splice site has been observed in individual(s) with Stickler syndrome (PMID: 22496037). ClinVar contains an entry for this variant (Variation ID: 1487483). Algorithms developed to predict the effect of sequence changes on RNA splicing suggest that this variant may disrupt the consensus splice site. In summary, the currently available evidence indicates that the variant is pathogenic, but additional data are needed to prove that conclusively. Therefore, this variant has been classified as Likely Pathogenic.

Literature cited by the submitters: PubMed 16199547; PubMed 20179744; PubMed 22496037.